The following is an entry in ClinVar:

NM_017534.6(MYH2):c.491A>C (p.Gln164Pro)

Genes: MYH2 (myosin heavy chain 2; minus strand), MYHAS (myosin heavy chain gene cluster antisense RNA; plus strand). Cytogenetic location: 17p13.1.
Variant type: single nucleotide variant.
Coding change: c.491A>C on transcript NM_017534.6 (MANE Select); coding-DNA position 491, A replaced by C.
Protein change: p.Gln164Pro; replaces glutamine 164 with proline.
Molecular consequence: missense variant.
Genome position (GRCh38, 1-based): chr17:10,545,360, T>G on the plus strand (A>C on the coding strand, the complement: MYH2 is on the minus strand). VCF-style: chr17-10545360-T-G. GRCh37 (hg19) VCF-style: chr17-10448677-T-G.
Other names: c.491A>C, p.Gln164Pro (NM_001100112.2); short protein forms Q164P.
Identifiers: ClinVar variation 2575576 (VCV002575576.2), dbSNP rs2508473711, ClinGen allele CA398170614.

ClinVar aggregate classification (germline): Conflicting classifications of pathogenicity. Review status: criteria provided, conflicting classifications (1 of 4 stars). 2 submissions from 2 submitters: Likely pathogenic (1); Uncertain significance (1). Last evaluated 2023-02-09.

Conditions:
MYH2-related disorder. Also called: MYH2-related condition.

Submissions (2):

GeneDx
Classification: Uncertain significance. Last evaluated: 2023-02-09. Review status: criteria provided, single submitter. Criteria: GeneDx Variant Classification Process June 2021. Collection method: clinical testing. Allele origin: germline. Affected: yes.
Comment: Not observed at significant frequency in large population cohorts (gnomAD); In silico analysis supports that this missense variant has a deleterious effect on protein structure/function; Has not been previously published as pathogenic or benign to our knowledge

Blueprint Genetics
Classification: Likely pathogenic for MYH2-related disorders. Last evaluated: 2020-05-26. Review status: criteria provided, single submitter. Criteria: ACMG Guidelines, 2015. Collection method: clinical testing. Allele origin: germline. Affected: yes. Observed: 1 variant allele.